The following is an entry in ClinVar:

NM_002529.4(NTRK1):c.-2C>G

Genes: NTRK1 (neurotrophic receptor tyrosine kinase 1; plus strand), LOC129931648 (ATAC-STARR-seq lymphoblastoid silent region 1440; plus strand). Cytogenetic location: 1q23.1.
Variant type: single nucleotide variant.
Coding change: c.-2C>G on transcript NM_002529.4 (MANE Select); 2 bases upstream of the start codon, C replaced by G.
Molecular consequence: 5 prime UTR variant. On other transcripts: intron variant (1).
Genome position (GRCh38, 1-based): chr1:156,860,933, C>G. VCF-style: chr1-156860933-C-G. GRCh37 (hg19) VCF-style: chr1-156830725-C-G.
Other names: c.-2C>G (NM_001012331.2); c.123-3421C>G (NM_001007792.1).
Identifiers: ClinVar variation 4980425 (VCV004980425.1).

ClinVar aggregate classification (germline): Likely benign (1 of 4 stars; one submission).

Conditions:
NTRK1-related disorder. Also called: NTRK1-related condition.

gnomAD v4.1: 49 of 1,461,754 alleles (0.0034%); highest among the groups gnomAD compares: African/African-American, 0.067%; no homozygotes.

Submission:

PreventionGenetics, part of Exact Sciences
Classification: Likely benign for NTRK1-related condition. Last evaluated: 2025-03-17. Review status: criteria provided, single submitter. Criteria: ACMG Guidelines, 2015. Collection method: clinical testing. Allele origin: germline.
Comment: This variant is classified as likely benign based on ACMG/AMP sequence variant interpretation guidelines (Richards et al. 2015 PMID: 25741868, with internal and published modifications).